The following is an entry in ClinVar:

ClinVar aggregate classification (germline): Uncertain significance. Review status: criteria provided, multiple submitters, no conflicts (2 of 4 stars). 3 submissions from 3 submitters: Uncertain significance (3). Last evaluated 2025-12-01.

Conditions:
Immunodeficiency, common variable, 14. Identifiers: Orphanet 696904, MedGen C4540380, MONDO:0054691, OMIM 617765.

Allele frequency attached by ClinVar (database versions not stated): gnomAD exomes 0.00006; gnomAD 0.00003.

Submissions (3):

Labcorp Genetics (formerly Invitae), Labcorp
Classification: Uncertain significance. Last evaluated: 2025-12-01. Review status: criteria provided, single submitter. Criteria: Invitae Variant Classification Sherloc (09022015). Collection method: clinical testing. Allele origin: germline.
Comment: This sequence change replaces histidine, which is basic and polar, with glutamine, which is neutral and polar, at codon 63 of the IRF2BP2 protein (p.His63Gln). This variant is present in population databases (rs754511640, gnomAD 0.02%). This variant has not been reported in the literature in individuals affected with IRF2BP2-related conditions. ClinVar contains an entry for this variant (Variation ID: 1448760). An algorithm developed to predict the effect of missense changes on protein structure and function (PolyPhen-2) suggests that this variant is likely to be disruptive. In summary, the available evidence is currently insufficient to determine the role of this variant in disease. Therefore, it has been classified as a Variant of Uncertain Significance.

Ambry Genetics
Classification: Uncertain significance. Last evaluated: 2025-03-26. Review status: criteria provided, single submitter. Criteria: Ambry Variant Classification Scheme 2023. Collection method: clinical testing. Allele origin: germline.

Center for Genomics, Ann and Robert H. Lurie Children's Hospital of Chicago
Classification: Uncertain significance for Immunodeficiency, common variable, 14. Last evaluated: 2022-10-13. Review status: criteria provided, single submitter. Criteria: ACMG Guidelines, 2015. Collection method: clinical testing. Allele origin: germline.
Comment: This variant has not been reported in the literature but is present in the Genome Aggregation Database (Highest reported MAF: 0.01% [2/15210]). This variant is also present in ClinVar (Variation ID: 1448760). Evolutionary conservation and computational predictive tools suggest that this variant may not impact the protein. In summary, data on this variant is insufficient for disease classification. Therefore, the clinical significance of this variant is uncertain.

NM_182972.3(IRF2BP2):c.189C>A (p.His63Gln)

Gene: IRF2BP2 (interferon regulatory factor 2 binding protein 2; minus strand). Cytogenetic location: 1q42.3.
Variant type: single nucleotide variant.
Coding change: c.189C>A on transcript NM_182972.3 (MANE Select); coding-DNA position 189, C replaced by A.
Protein change: p.His63Gln; replaces histidine 63 with glutamine.
Molecular consequence: missense variant.
Genome position (GRCh38, 1-based): chr1:234,609,306, G>T on the plus strand (C>A on the coding strand, the complement: IRF2BP2 is on the minus strand). VCF-style: chr1-234609306-G-T. GRCh37 (hg19) VCF-style: chr1-234745052-G-T.
Other names: c.189C>A, p.His63Gln (NM_001077397.1); c.189C>A (NM_182972.2); short protein forms H63Q.
Identifiers: ClinVar variation 1448760 (VCV001448760.7), dbSNP rs754511640, ClinGen allele CA1461884.